The following is an entry in ClinVar:

ClinVar aggregate classification (germline): Pathogenic (1 of 4 stars; one submission).

Conditions:
Arrhythmogenic cardiomyopathy with wooly hair and keratoderma. Also called: PALMOPLANTAR KERATODERMA WITH LEFT VENTRICULAR CARDIOMYOPATHY AND WOOLLY HAIR; Carvajal syndrome; Arrhythmogenic cardiomyopathy with woolly hair and keratoderma; Dilated cardiomyopathy with woolly hair and keratoderma. Identifiers: Orphanet 65282, MedGen C1854063, MONDO:0011581, OMIM 605676.
Arrhythmogenic right ventricular dysplasia 8 (ARVD8). Also called: Arrhythmogenic Right Ventricular Dysplasia/Cardiomyopathy 8; ARRHYTHMOGENIC RIGHT VENTRICULAR CARDIOMYOPATHY 8; ARRHYTHMOGENIC RIGHT VENTRICULAR DYSPLASIA, FAMILIAL, 8. Identifiers: MedGen C1843896, MONDO:0011831, OMIM 607450.

Submission:

Labcorp Genetics (formerly Invitae), Labcorp
Classification: Pathogenic for Arrhythmogenic cardiomyopathy with wooly hair and keratoderma; Arrhythmogenic right ventricular dysplasia 8. Last evaluated: 2022-08-10. Review status: criteria provided, single submitter. Criteria: Invitae Variant Classification Sherloc (09022015). Collection method: clinical testing. Allele origin: germline.
Comment: This sequence change creates a premature translational stop signal (p.Asp2681*) in the DSP gene. While this is not anticipated to result in nonsense mediated decay, it is expected to disrupt the last 191 amino acid(s) of the DSP protein. This variant is not present in population databases (gnomAD no frequency). This variant has not been reported in the literature in individuals affected with DSP-related conditions. This variant disrupts a region of the DSP protein in which other variant(s) (p.Glu2728Glyfs*11) have been determined to be pathogenic (Invitae). This suggests that this is a clinically significant region of the protein, and that variants that disrupt it are likely to be disease-causing. For these reasons, this variant has been classified as Pathogenic.

NM_004415.4(DSP):c.8040dup (p.Asp2681Ter)

Gene: DSP (desmoplakin; plus strand). Cytogenetic location: 6p24.3.
Variant type: Duplication.
Coding change: c.8040dup on transcript NM_004415.4 (MANE Select); coding-DNA position 8040, one base duplicated (T; older notation c.8040dupT).
Protein change: p.Asp2681Ter; replaces aspartic acid 2681 with a stop codon.
Molecular consequence: nonsense.
Genome position (GRCh38, 1-based): chr6:7,585,302, T duplicated; the last of 2 consecutive T bases (chr6:7,585,301-7,585,302); duplicating either gives the same sequence. VCF-style (leftmost placement, unchanged base first): chr6-7585300-A-AT. GRCh37 (hg19) VCF-style: chr6-7585533-A-AT.
Other names: c.6243dup, p.Asp2082Ter (NM_001008844.3); c.6711dup, p.Asp2238Ter (NM_001319034.2); short protein forms D2082*, D2238*, D2681*.
Identifiers: ClinVar variation 2023379 (VCV002023379.4), dbSNP rs2533949234, ClinGen allele CA2580075391.